The following is an entry in ClinVar:

ClinVar aggregate classification (germline): Uncertain significance (1 of 4 stars; one submission).

Allele frequency attached by ClinVar (database versions not stated): gnomAD 0.00001.
gnomAD v4.1: 1 of 1,613,918 alleles (0.000062%); highest among the groups gnomAD compares: South Asian, 0.0011%; no homozygotes.

Submission:

Labcorp Genetics (formerly Invitae), Labcorp
Classification: Uncertain significance. Last evaluated: 2022-03-28. Review status: criteria provided, single submitter. Criteria: Invitae Variant Classification Sherloc (09022015). Collection method: clinical testing. Allele origin: germline.
Comment: Advanced modeling of protein sequence and biophysical properties (such as structural, functional, and spatial information, amino acid conservation, physicochemical variation, residue mobility, and thermodynamic stability) performed at Invitae indicates that this missense variant is not expected to disrupt COL27A1 protein function. This variant has not been reported in the literature in individuals affected with COL27A1-related conditions. In summary, the available evidence is currently insufficient to determine the role of this variant in disease. Therefore, it has been classified as a Variant of Uncertain Significance. This variant is not present in population databases (gnomAD no frequency). This sequence change replaces serine, which is neutral and polar, with threonine, which is neutral and polar, at codon 1649 of the COL27A1 protein (p.Ser1649Thr).

NM_032888.4(COL27A1):c.4946G>C (p.Ser1649Thr)

Gene: COL27A1 (collagen type XXVII alpha 1 chain; plus strand). Cytogenetic location: 9q32.
Variant type: single nucleotide variant.
Coding change: c.4946G>C on transcript NM_032888.4 (MANE Select); coding-DNA position 4946, G replaced by C.
Protein change: p.Ser1649Thr; replaces serine 1649 with threonine.
Molecular consequence: missense variant.
Genome position (GRCh38, 1-based): chr9:114,306,527, G>C. VCF-style: chr9-114306527-G-C. GRCh37 (hg19) VCF-style: chr9-117068807-G-C.
Other names: short protein forms S1649T.
Identifiers: ClinVar variation 2118946 (VCV002118946.4), dbSNP rs1829060450, ClinGen allele CA374595440.
Genomic context (GRCh38, chr9:114,306,527, plus strand): 5'-CCAGGCTGGACCAGGACCCTAAGGTCCCAATGACCACCCTCTCCTCGTGACAGAGTTACA[G>C]CTATCCAGACCGGCTGGTGCTGGACCAGGGAGGAGAGATCTTTAAAACCTTACACTACCT-3'
Protein context (NP_116277.2, residues 1639-1659): TSGALRPESY[Ser1649Thr]YPDRLVLDQG